The following is an entry in ClinVar:

NM_006922.4(SCN3A):c.429A>T (p.Val143=)

Gene: SCN3A (sodium voltage-gated channel alpha subunit 3; minus strand). Cytogenetic location: 2q24.3.
Variant type: single nucleotide variant.
Coding change: c.429A>T on transcript NM_006922.4 (MANE Select); coding-DNA position 429, A replaced by T.
Protein change: p.Val143=; no amino-acid change (valine 143 retained).
Molecular consequence: synonymous variant.
Genome position (GRCh38, 1-based): chr2:165,168,780, T>A on the plus strand (A>T on the coding strand, the complement: SCN3A is on the minus strand). VCF-style: chr2-165168780-T-A. GRCh37 (hg19) VCF-style: chr2-166025290-T-A.
Other names: c.429A>T, p.Val143= (NM_001081676.2, NM_001081677.2).
Identifiers: ClinVar variation 698081 (VCV000698081.42), dbSNP rs149212247, ClinGen allele CA1939441.

ClinVar aggregate classification (germline): Likely benign. Review status: criteria provided, multiple submitters, no conflicts (2 of 4 stars). 3 submissions from 3 submitters: Likely benign (3). Last evaluated 2026-01-19.

Allele frequency attached by ClinVar (database versions not stated): ExAC 0.00008; gnomAD 0.00011 and 0.00013; gnomAD exomes 0.00012 and 0.00018; TOPMed 0.00020; ESP Exome Variant Server 0.00023.
gnomAD v4.1: 273 of 1,612,540 alleles (0.017%); highest among the groups gnomAD compares: Non-Finnish European, 0.021%; no homozygotes.

Submissions (3):

Labcorp Genetics (formerly Invitae), Labcorp
Classification: Likely benign. Last evaluated: 2026-01-19. Review status: criteria provided, single submitter. Criteria: Invitae Variant Classification Sherloc (09022015). Collection method: clinical testing. Allele origin: germline.

Blueprint Genetics
Classification: Likely benign. Last evaluated: 2024-11-11. Review status: criteria provided, single submitter. Criteria: ACMG Guidelines, 2015. Collection method: clinical testing. Allele origin: germline.

CeGaT Center for Human Genetics Tuebingen
Classification: Likely benign. Last evaluated: 2024-05-01. Review status: criteria provided, single submitter. Criteria: CeGaT Center For Human Genetics Tuebingen Variant Classification Criteria Version 2. Collection method: clinical testing. Allele origin: germline. Affected: yes. Observed: 4 variant alleles.
Comment: SCN3A: BP4, BP7